The following is an entry in ClinVar:

NC_000004.12:g.(?_150415418)_(150817277_?)del

Genes: LRBA (LPS responsive beige-like anchor protein; minus strand), MAB21L2 (mab-21 like 2; plus strand). Cytogenetic location: 4q31.3.
Variant type: Deletion.
Identifiers: ClinVar variation 832622 (VCV000832622.3).

ClinVar aggregate classification (germline): Pathogenic (1 of 4 stars; one submission).

Conditions:
Combined immunodeficiency due to LRBA deficiency. Also called: Common variable immunodeficiency 8, with autoimmunity. Identifiers: Orphanet 445018, MedGen C3553512, MONDO:0013863, OMIM 614700.

Submission:

Labcorp Genetics (formerly Invitae), Labcorp
Classification: Pathogenic for Combined immunodeficiency due to LRBA deficiency. Last evaluated: 2023-09-13. Review status: criteria provided, single submitter. Criteria: Invitae Variant Classification Sherloc (09022015). Collection method: clinical testing. Allele origin: germline.
Comment: This variant is a gross deletion of the genomic region encompassing exon(s) 31-48 of the LRBA gene. This deletion is out-of-frame, and is expected to create a premature termination codon and result in an absent or disrupted protein product. Loss-of-function variants in LRBA are known to be pathogenic (PMID: 26206937, 26768763). This variant has not been reported in the literature in individuals affected with LRBA-related conditions. For these reasons, this variant has been classified as Pathogenic.

Literature cited by the submitters: PubMed 26206937; PubMed 26768763.